The following is an entry in ClinVar:

NM_001430.5(EPAS1):c.2309T>G (p.Met770Arg)

Gene: EPAS1 (endothelial PAS domain protein 1; plus strand). Cytogenetic location: 2p21.
Variant type: single nucleotide variant.
Coding change: c.2309T>G on transcript NM_001430.5 (MANE Select); coding-DNA position 2309, T replaced by G.
Protein change: p.Met770Arg; replaces methionine 770 with arginine.
Molecular consequence: missense variant.
Genome position (GRCh38, 1-based): chr2:46,382,446, T>G. VCF-style: chr2-46382446-T-G. GRCh37 (hg19) VCF-style: chr2-46609585-T-G.
Other names: short protein forms M770R.
Identifiers: ClinVar variation 1789398 (VCV001789398.2), dbSNP rs1161977628, ClinGen allele CA346705995.

ClinVar aggregate classification (germline): Uncertain significance (1 of 4 stars; one submission).

Conditions:
Inborn genetic diseases. Identifiers: MedGen C0950123, MeSH D030342.

Submission:

Ambry Genetics
Classification: Uncertain significance for Inborn genetic diseases. Last evaluated: 2021-07-08. Review status: criteria provided, single submitter. Criteria: Ambry Variant Classification Scheme 2023. Collection method: clinical testing. Allele origin: germline.
Comment: The p.M770R variant (also known as c.2309T>G), located in coding exon 15 of the EPAS1 gene, results from a T to G substitution at nucleotide position 2309. The methionine at codon 770 is replaced by arginine, an amino acid with similar properties. This amino acid position is conserved. In addition, this alteration is predicted to be tolerated by in silico analysis. Since supporting evidence is limited at this time, the clinical significance of this alteration remains unclear.